The following is an entry in ClinVar:

NM_000051.4(ATM):c.1438_1442del (p.Leu480fs)

Gene: ATM (ATM serine/threonine kinase; plus strand). Cytogenetic location: 11q22.3.
Variant type: Deletion.
Coding change: c.1438_1442del on transcript NM_000051.4 (MANE Select); coding-DNA positions 1438 to 1442, 5 bases deleted (TTATT; older notation c.1438_1442delTTATT).
Protein change: p.Leu480fs; shifts the reading frame from leucine 480.
Molecular consequence: frameshift variant.
Genome position (GRCh38, 1-based): chr11:108,250,903-108,250,907, TTATT deleted; deleting any 5 consecutive bases within chr11:108,250,902-108,250,907 gives the same sequence; the c. name uses the placement nearest the transcript's 3' end. VCF-style (leftmost placement, unchanged base first): chr11-108250901-ATTTAT-A. GRCh37 (hg19) VCF-style: chr11-108121628-ATTTAT-A.
Other names: c.1438_1442del, p.Leu480fs (NM_001351834.2); short protein forms L480fs.
Identifiers: ClinVar variation 2747303 (VCV002747303.3), dbSNP rs2497246577, ClinGen allele CA2697548996.

ClinVar aggregate classification (germline): Pathogenic (1 of 4 stars; one submission).

Conditions:
Ataxia-telangiectasia syndrome (AT). Also called: AT, COMPLEMENTATION GROUP C; Ataxia-telangiectasia, complementation group D; ATAXIA-TELANGIECTASIA, COMPLEMENTATION GROUP A; ATAXIA-TELANGIECTASIA, FRESNO VARIANT; Ataxia-telangiectasia; Ataxia telangiectasia (A-T). Identifiers: Orphanet 100, MedGen C0004135, MONDO:0008840, OMIM 208900.

Submission:

Labcorp Genetics (formerly Invitae), Labcorp
Classification: Pathogenic for Ataxia-telangiectasia syndrome. Last evaluated: 2023-07-26. Review status: criteria provided, single submitter. Criteria: Invitae Variant Classification Sherloc (09022015). Collection method: clinical testing. Allele origin: germline.
Comment: For these reasons, this variant has been classified as Pathogenic. This variant has not been reported in the literature in individuals affected with ATM-related conditions. This variant is not present in population databases (gnomAD no frequency). This sequence change creates a premature translational stop signal (p.Leu480Lysfs*5) in the ATM gene. It is expected to result in an absent or disrupted protein product. Loss-of-function variants in ATM are known to be pathogenic (PMID: 23807571, 25614872).

Literature cited by the submitters: PubMed 23807571; PubMed 25614872.